The following is an entry in ClinVar:

ClinVar aggregate classification (germline): Conflicting classifications of pathogenicity. Review status: criteria provided, conflicting classifications (1 of 4 stars). 2 submissions from 2 submitters: Uncertain significance (1); Likely benign (1). Last evaluated 2023-01-04.

Conditions:
Cardiovascular phenotype. Identifiers: MedGen CN230736.
Cardiomyopathy (CMYO). Also called: Cardiomyopathies. Identifiers: Orphanet 167848, MedGen C0878544, MONDO:0004994, HP:0001638. Inheritance: Various modes of inheritance.

Allele frequency attached by ClinVar (database versions not stated): gnomAD exomes below 0.00001.
gnomAD v4.1: 1 of 1,612,154 alleles (0.000062%); highest among the groups gnomAD compares: Non-Finnish European, 0.000085%; no homozygotes.

Submissions (2):

Ambry Genetics
Classification: Uncertain significance for Cardiovascular phenotype. Last evaluated: 2023-01-04. Review status: criteria provided, single submitter. Criteria: Ambry Variant Classification Scheme 2023. Collection method: clinical testing. Allele origin: germline.
Comment: The c.999+3G>A intronic variant results from a G to A substitution 3 nucleotides after coding exon 9 in the MYH7 gene. This nucleotide position is poorly conserved in available vertebrate species. In silico splice site analysis predicts that this alteration will not have any significant effect on splicing. Since supporting evidence is limited at this time, the clinical significance of this alteration remains unclear.

Color Diagnostics, LLC DBA Color Health
Classification: Likely benign for Cardiomyopathy. Last evaluated: 2018-11-16. Review status: criteria provided, single submitter. Criteria: ACMG Guidelines, 2015. Collection method: clinical testing. Allele origin: germline.

NM_000257.4(MYH7):c.999+3G>A

Gene: MYH7 (myosin heavy chain 7; minus strand). Cytogenetic location: 14q11.2.
Variant type: single nucleotide variant.
Coding change: c.999+3G>A on transcript NM_000257.4 (MANE Select); 3 bases into the intron after coding-DNA position 999, G replaced by A.
Molecular consequence: intron variant.
Genome position (GRCh38, 1-based): chr14:23,430,557, C>T on the plus strand (G>A on the coding strand, the complement: MYH7 is on the minus strand). VCF-style: chr14-23430557-C-T. GRCh37 (hg19) VCF-style: chr14-23899766-C-T.
Identifiers: ClinVar variation 927307 (VCV000927307.4), dbSNP rs1892886613, ClinGen allele CA913188627.